The following is an entry in ClinVar:

ClinVar aggregate classification (germline): Likely benign (1 of 4 stars; one submission).

Conditions:
PIEZO1-related disorder. Also called: PIEZO1-Related Disorders; PIEZO1-related condition.

Submission:

PreventionGenetics, part of Exact Sciences
Classification: Likely benign for PIEZO1-related condition. Last evaluated: 2025-01-15. Review status: criteria provided, single submitter. Criteria: ACMG Guidelines, 2015. Collection method: clinical testing. Allele origin: germline.
Comment: This variant is classified as likely benign based on ACMG/AMP sequence variant interpretation guidelines (Richards et al. 2015 PMID: 25741868, with internal and published modifications).

NM_001142864.4(PIEZO1):c.4235-5C>A

Gene: PIEZO1 (piezo type mechanosensitive ion channel component 1 (Er blood group); minus strand). Cytogenetic location: 16q24.3.
Variant type: single nucleotide variant.
Coding change: c.4235-5C>A on transcript NM_001142864.4 (MANE Select); 5 bases into the intron before coding-DNA position 4235, C replaced by A.
Molecular consequence: intron variant.
Genome position (GRCh38, 1-based): chr16:88,723,976, G>T on the plus strand (C>A on the coding strand, the complement: PIEZO1 is on the minus strand). VCF-style: chr16-88723976-G-T. GRCh37 (hg19) VCF-style: chr16-88790384-G-T.
Identifiers: ClinVar variation 4977424 (VCV004977424.1).